The following is an entry in ClinVar:

NM_004369.4(COL6A3):c.6697GCTGGTCCT[3] (p.Pro2238_Pro2239insAlaGlyPro)

Gene: COL6A3 (collagen type VI alpha 3 chain; minus strand). Cytogenetic location: 2q37.3.
Variant type: Microsatellite.
Coding change: c.6697GCTGGTCCT[3] on transcript NM_004369.4 (MANE Select); three copies in a row of the 9-base unit GCTGGTCCT starting at c.6697; the reference has two copies in a row; one copy, 9 bases duplicated.
Protein change: p.Pro2238_Pro2239insAlaGlyPro.
Genome position (GRCh38, 1-based): chr2:237,352,561-237,352,569, AGGACCAGC duplicated on the plus strand (GCTGGTCCT on the coding strand, the reverse complement: COL6A3 is on the minus strand); duplicating any 9 consecutive bases within chr2:237,352,561-237,352,578 gives the same sequence; the position shown is the placement nearest the transcript's 3' end. VCF-style (leftmost placement, unchanged base first): chr2-237352560-G-GAGGACCAGC. GRCh37 (hg19) VCF-style: chr2-238261203-G-GAGGACCAGC.
Other names: c.4876GCTGGTCCT[3], p.Pro1631_Pro1632insAlaGlyPro (NM_057166.5); c.6079GCTGGTCCT[3], p.Pro2032_Pro2033insAlaGlyPro (NM_057167.4).
Identifiers: ClinVar variation 2196613 (VCV002196613.4), dbSNP rs2469838941, ClinGen allele CA2580614116.
Genomic context (GRCh38, chr2:237,352,560, plus strand): 5'-GCTGGTATTAGGACAGGCTTACCCGAGGTCCAGAAATGCCTTGTTCTCCTATCAGCCCTG[G>GAGGACCAGC]AGGACCAGCAGGACCAGCTGGGCCCTGAGGAAGGAAAAGACCATCGTGAGTGCTAATGAG-3'

ClinVar aggregate classification (germline): Uncertain significance (1 of 4 stars; one submission).

Conditions:
Bethlem myopathy 1A. Also called: Bethlem Muscular Dystrophy; MYOPATHY, BENIGN CONGENITAL, WITH CONTRACTURES; Bethlem myopathy 1. Identifiers: Orphanet 610, MedGen CN029274, MONDO:0024530, OMIM 158810.

Submission:

Labcorp Genetics (formerly Invitae), Labcorp
Classification: Uncertain significance for Bethlem myopathy 1A. Last evaluated: 2024-12-02. Review status: criteria provided, single submitter. Criteria: Invitae Variant Classification Sherloc (09022015). Collection method: clinical testing. Allele origin: germline.
Comment: This variant, c.6706_6714dup, results in the insertion of 3 amino acid(s) of the COL6A3 protein (p.Ala2236_Pro2238dup), but otherwise preserves the integrity of the reading frame. This variant is not present in population databases (gnomAD no frequency). This variant has not been reported in the literature in individuals affected with COL6A3-related conditions. Experimental studies and prediction algorithms are not available or were not evaluated, and the functional significance of this variant is currently unknown. In summary, the available evidence is currently insufficient to determine the role of this variant in disease. Therefore, it has been classified as a Variant of Uncertain Significance.